The following is an entry in ClinVar:

NM_001376.5(DYNC1H1):c.4843T>C (p.Leu1615=)

Gene: DYNC1H1 (dynein cytoplasmic 1 heavy chain 1; plus strand). Cytogenetic location: 14q32.31.
Variant type: single nucleotide variant.
Coding change: c.4843T>C on transcript NM_001376.5 (MANE Select); coding-DNA position 4843, T replaced by C.
Protein change: p.Leu1615=; no amino-acid change (leucine 1615 retained).
Molecular consequence: synonymous variant.
Genome position (GRCh38, 1-based): chr14:102,002,925, T>C. VCF-style: chr14-102002925-T-C. GRCh37 (hg19) VCF-style: chr14-102469262-T-C.
Identifiers: ClinVar variation 1118656 (VCV001118656.14), dbSNP rs375058473, ClinGen allele CA7352312.
Genomic context (GRCh38, chr14:102,002,925, plus strand): 5'-CAGGGAGTACAGAGGTCTCTGGAAAGATTGGCAGACCTGCTAGGAAAGATCCAGAAAGCA[T>C]TGGGAGAATATCTGGAAAGAGAGCGGTCATCTTTCCCCAGGTAAGATCCTTGCTTTGACT-3'
Protein context (NP_001367.2, residues 1605-1625): ADLLGKIQKA[Leu1615=]GEYLERERSS

ClinVar aggregate classification (germline): Likely benign. Review status: criteria provided, multiple submitters, no conflicts (2 of 4 stars). 4 submissions from 4 submitters: Likely benign (3). 1 of the submissions does not count toward it. Last evaluated 2026-01-11.

Conditions:
DYNC1H1-related disorder. Also called: DYNC1H1-related condition; DYNC1H1-related disorders. Identifiers: MedGen CN381529.
Inborn genetic diseases. Identifiers: MedGen C0950123, MeSH D030342.
Charcot-Marie-Tooth disease axonal type 2O. Also called: Charcot-Marie-Tooth disease, axonal, type 20; CHARCOT-MARIE-TOOTH NEUROPATHY, AXONAL, TYPE 2O; CHARCOT-MARIE-TOOTH DISEASE, AXONAL, AUTOSOMAL DOMINANT, TYPE 2O; Charcot-Marie-Tooth Neuropathy Type 2O. Identifiers: Orphanet 284232, MedGen C3280220, MONDO:0013644, OMIM 614228.

Allele frequency attached by ClinVar (database versions not stated): gnomAD exomes 0.00001 and 0.00002; TOPMed 0.00004; ExAC 0.00005; gnomAD 0.00005; ESP Exome Variant Server 0.00015.
gnomAD v4.1: 29 of 1,614,092 alleles (0.0018%); highest among the groups gnomAD compares: Middle Eastern, 0.016%; no homozygotes.

Submissions (4):

Labcorp Genetics (formerly Invitae), Labcorp
Classification: Likely benign for Charcot-Marie-Tooth disease axonal type 2O. Last evaluated: 2026-01-11. Review status: criteria provided, single submitter. Criteria: Invitae Variant Classification Sherloc (09022015). Collection method: clinical testing. Allele origin: germline.

Blueprint Genetics
Classification: Likely benign. Last evaluated: 2024-10-07. Review status: criteria provided, single submitter. Criteria: ACMG Guidelines, 2015. Collection method: clinical testing. Allele origin: germline.

Ambry Genetics
Classification: Likely benign for Inborn genetic diseases. Last evaluated: 2018-02-01. Review status: criteria provided, single submitter. Criteria: Ambry Variant Classification Scheme 2023. Collection method: clinical testing. Allele origin: germline.

PreventionGenetics, part of Exact Sciences
Classification: Likely benign for DYNC1H1-related condition. Last evaluated: 2019-10-28. Review status: no assertion criteria provided. Collection method: clinical testing. Allele origin: germline. Not counted in ClinVar's aggregate classification.
Comment: This variant is classified as likely benign based on ACMG/AMP sequence variant interpretation guidelines (Richards et al. 2015 PMID: 25741868, with internal and published modifications).